The following is an entry in ClinVar:

ClinVar aggregate classification (germline): Uncertain significance (1 of 4 stars; one submission).

Allele frequency attached by ClinVar (database versions not stated): gnomAD 0.00001; gnomAD exomes 0.00001; TOPMed 0.00001.
gnomAD v4.1: 4 of 1,544,372 alleles (0.00026%); highest among the groups gnomAD compares: Admixed American, 0.0038%; no homozygotes.

Submission:

GeneDx
Classification: Uncertain significance. Last evaluated: 2022-08-30. Review status: criteria provided, single submitter. Criteria: GeneDx Variant Classification Process June 2021. Collection method: clinical testing. Allele origin: germline. Affected: yes.
Comment: Not observed at significant frequency in large population cohorts (gnomAD); In silico analysis supports that this missense variant does not alter protein structure/function; Has not been previously published as pathogenic or benign to our knowledge

NM_005883.3(APC2):c.2125G>A (p.Val709Met)

Gene: APC2 (APC regulator of WNT signaling pathway 2; plus strand). Cytogenetic location: 19p13.3.
Variant type: single nucleotide variant.
Coding change: c.2125G>A on transcript NM_005883.3 (MANE Select); coding-DNA position 2125, G replaced by A.
Protein change: p.Val709Met; replaces valine 709 with methionine.
Molecular consequence: missense variant.
Genome position (GRCh38, 1-based): chr19:1,465,426, G>A. VCF-style: chr19-1465426-G-A. GRCh37 (hg19) VCF-style: chr19-1465425-G-A.
Other names: c.2122G>A, p.Val708Met (NM_001351273.1); short protein forms V708M, V709M.
Identifiers: ClinVar variation 2442548 (VCV002442548.1), dbSNP rs890951233, ClinGen allele CA304075402.